The following is an entry in ClinVar:

ClinVar aggregate classification (germline): Uncertain significance (1 of 4 stars; one submission).

Submission:

Labcorp Genetics (formerly Invitae), Labcorp
Classification: Uncertain significance. Last evaluated: 2023-12-22. Review status: criteria provided, single submitter. Criteria: Invitae Variant Classification Sherloc (09022015). Collection method: clinical testing. Allele origin: germline.
Comment: This sequence change replaces threonine, which is neutral and polar, with methionine, which is neutral and non-polar, at codon 394 of the SLC22A4 protein (p.Thr394Met). This variant is present in population databases (no rsID available, gnomAD 0.01%). This variant has not been reported in the literature in individuals affected with SLC22A4-related conditions. ClinVar contains an entry for this variant (Variation ID: 1426157). An algorithm developed to predict the effect of missense changes on protein structure and function (PolyPhen-2) suggests that this variant is likely to be tolerated. In summary, the available evidence is currently insufficient to determine the role of this variant in disease. Therefore, it has been classified as a Variant of Uncertain Significance.

NM_003059.3(SLC22A4):c.1181_1182delinsTG (p.Thr394Met)

Genes: MIR3936HG (MIR3936 host gene; minus strand), SLC22A4 (solute carrier family 22 member 4; plus strand). Cytogenetic location: 5q31.1.
Variant type: Indel.
Coding change: c.1181_1182delinsTG on transcript NM_003059.3 (MANE Select); coding-DNA positions 1181 to 1182, CC replaced by TG.
Protein change: p.Thr394Met; replaces threonine 394 with methionine.
Molecular consequence: missense variant. On other transcripts: non-coding transcript variant (1).
Genome position (GRCh38, 1-based): chr5:132,334,852-132,334,853, CC replaced by TG. VCF-style: chr5-132334852-CC-TG. GRCh37 (hg19) VCF-style: chr5-131670545-CC-TG.
Other names: short protein forms T394M.
Identifiers: ClinVar variation 1426157 (VCV001426157.6), dbSNP rs2126737671, ClinGen allele CA2573139051.